The following is an entry in ClinVar:

NM_000179.3(MSH6):c.2633T>C (p.Val878Ala)

Gene: MSH6 (mutS homolog 6; plus strand). Cytogenetic location: 2p16.3.
Variant type: single nucleotide variant.
Coding change: c.2633T>C on transcript NM_000179.3 (MANE Select); coding-DNA position 2633, T replaced by C.
Protein change: p.Val878Ala; replaces valine 878 with alanine.
Molecular consequence: missense variant.
Genome position (GRCh38, 1-based): chr2:47,800,616, T>C. VCF-style: chr2-47800616-T-C. GRCh37 (hg19) VCF-style: chr2-48027755-T-C.
Other names: p.V878A:GTT>GCT; c.2243T>C, p.Val748Ala (NM_001281492.2); c.1727T>C, p.Val576Ala (NM_001281493.2, NM_001281494.2); short protein forms V878A, V576A, V748A.
Identifiers: ClinVar variation 8931 (VCV000008931.105), dbSNP rs2020912, ClinGen allele CA010638.

ClinVar aggregate classification (germline): Benign. Review status: reviewed by expert panel (3 of 4 stars). 39 submissions from 39 submitters: Benign (1). 38 of the submissions do not count toward it. Last evaluated 2013-09-05.

Conditions:
Lynch syndrome 5 (LYNCH5). Also called: Colorectal cancer, hereditary nonpolyposis, type 5; Hereditary non-polyposis colorectal cancer, type 5. Identifiers: Orphanet 144, MedGen C1833477, MONDO:0013710, OMIM 614350. Disease mechanism: loss of function.
Mismatch repair cancer syndrome 3. Identifiers: MedGen C5436807, MONDO:0030841, OMIM 619097.
Endometrial carcinoma. Also called: Endometrial carcinoma, somatic. Identifiers: MedGen C0476089, MONDO:0002447, OMIM 608089, HP:0012114.
Breast and/or ovarian cancer. Identifiers: MedGen CN221562.
Hereditary nonpolyposis colorectal neoplasms. Identifiers: MedGen C0009405, MeSH D003123.
Colorectal / endometrial cancer. Identifiers: MedGen CN221548.
Hereditary cancer-predisposing syndrome. Also called: Hereditary neoplastic syndrome; Hereditary Cancer Syndrome; Neoplastic Syndromes, Hereditary; Tumor predisposition. Identifiers: Orphanet 140162, MedGen C0027672, MeSH D009386, MONDO:0015356.
Hereditary breast ovarian cancer syndrome. Also called: Hereditary breast and ovarian cancer syndrome; Hereditary breast and ovarian cancer syndrome (HBOC); Breast and ovarian cancer; Hereditary breast and/or ovarian cancer syndrome; BRCA1- and BRCA2-Associated Hereditary Breast and Ovarian Cancer; Hereditary breast and ovarian cancer. Identifiers: Orphanet 145, MedGen C0677776, MeSH D061325, MONDO:0003582. Disease mechanism: loss of function.
Lynch syndrome. Identifiers: Orphanet 144, MedGen C4552100, MONDO:0005835. Disease mechanism: loss of function.
Carcinoma of colon (CRC). Also called: Colon carcinoma; Colonic carcinoma. Identifiers: MedGen C0699790, MONDO:0002032.
Malignant tumor of breast. Also called: Malignant breast neoplasm; Cancer breast. Identifiers: MedGen C0006142, MONDO:0007254. Disease mechanism: loss of function.

Allele frequency attached by ClinVar (database versions not stated): 1000 Genomes Project 30x 0.00359; 1000 Genomes Project 0.00399; gnomAD 0.00448 and 0.00461; ExAC 0.00528; gnomAD exomes 0.00511; TOPMed 0.00446.
gnomAD v4.1: 9,272 of 1,614,190 alleles (0.57%); highest among the groups gnomAD compares: Middle Eastern, 1.6%; 45 homozygotes.

Submissions 1 to 20 of 39:

International Society for Gastrointestinal Hereditary Tumours (InSiGHT)
Classification: Benign for Lynch Syndrome. Last evaluated: 2013-09-05. Review status: reviewed by expert panel. Criteria: Guidelines v1.9. Collection method: research. Allele origin: germline.
Comment: Multifactorial likelihood analysis posterior probability <0.001

Classified with v1.9 guidelines
ClinVar note: Converted during submission from no known pathogenicity to Benign.

CeGaT Center for Human Genetics Tuebingen
Classification: Likely benign. Last evaluated: 2026-09-01. Review status: criteria provided, single submitter. Criteria: CeGaT Center For Human Genetics Tuebingen Variant Classification Criteria Version 2. Collection method: clinical testing. Allele origin: germline. Affected: yes. Observed: 122 variant alleles. Not counted in ClinVar's aggregate classification.
Comment: MSH6: BP4, BS2

Labcorp Genetics (formerly Invitae), Labcorp
Classification: Benign for Hereditary nonpolyposis colorectal neoplasms. Last evaluated: 2026-02-04. Review status: criteria provided, single submitter. Criteria: Invitae Variant Classification Sherloc (09022015). Collection method: clinical testing. Allele origin: germline. Not counted in ClinVar's aggregate classification.

Dasa
Classification: Benign. Last evaluated: 2025-11-27. Review status: criteria provided, single submitter. Criteria: DASA Assertion Criteria. Collection method: clinical testing. Allele origin: germline. Not counted in ClinVar's aggregate classification.
Comment: NM_000179.3(MSH6):c.2633T>C (p.Val878Ala) is a missense variant that results in the substitution of valine with alanine. Population frequency is inconsistent with a disease-causing role for this variant, and observations in unaffected individuals support a benign interpretation. Therefore, based on the currently available evidence, this variant is classified as benign.

Laboratorio de I+D, Fundación Centro Médico de Asturias
Classification: Benign for Hereditary breast ovarian cancer syndrome. Last evaluated: 2025-07-10. Review status: criteria provided, single submitter. Criteria: ACMG Guidelines, 2015. Collection method: clinical testing. Allele origin: germline. Not counted in ClinVar's aggregate classification.
Comment: BS1+BS2+BP4_Strong+BP1+BP5

ARUP Laboratories, Molecular Genetics and Genomics, ARUP Laboratories
Classification: Benign. Last evaluated: 2025-05-22. Review status: criteria provided, single submitter. Criteria: ARUP Molecular Germline Variant Investigation Process 2024. Collection method: clinical testing. Allele origin: germline. Not counted in ClinVar's aggregate classification.

Center for Genomic Medicine, Rigshospitalet, Copenhagen University Hospital
Classification: Benign. Last evaluated: 2025-03-04. Review status: criteria provided, single submitter. Criteria: ACMG Guidelines, 2015. Collection method: clinical testing. Allele origin: germline. Not counted in ClinVar's aggregate classification.

Blueprint Genetics
Classification: Likely benign. Last evaluated: 2024-11-26. Review status: criteria provided, single submitter. Criteria: ACMG Guidelines, 2015. Collection method: clinical testing. Allele origin: germline. Not counted in ClinVar's aggregate classification.

KCCC/NGS Laboratory, Kuwait Cancer Control Center
Classification: Benign for Lynch syndrome 5. Last evaluated: 2023-07-07. Review status: criteria provided, single submitter. Criteria: ACMG Guidelines, 2015. Collection method: clinical testing. Allele origin: germline. Affected: yes. Not counted in ClinVar's aggregate classification.

Institute for Biomarker Research, Medical Diagnostic Laboratories, L.L.C.
Classification: Benign for Hereditary cancer-predisposing syndrome. Last evaluated: 2023-04-18. Review status: criteria provided, single submitter. Criteria: ACMG Guidelines, 2015. Collection method: clinical testing. Allele origin: germline. Not counted in ClinVar's aggregate classification.

Fulgent Genetics
Classification: Benign for Endometrial carcinoma; Lynch syndrome 5; Mismatch repair cancer syndrome 3. Last evaluated: 2022-04-26. Review status: criteria provided, single submitter. Criteria: ACMG Guidelines, 2015. Collection method: clinical testing. Allele origin: unknown. Not counted in ClinVar's aggregate classification.

CHEO Genetics Diagnostic Laboratory, Children's Hospital of Eastern Ontario
Classification: Benign for Breast and/or ovarian cancer. Last evaluated: 2021-04-27. Review status: criteria provided, single submitter. Criteria: ACMG Guidelines, 2015. Collection method: clinical testing. Allele origin: germline. Not counted in ClinVar's aggregate classification.

Sema4
Classification: Benign for Hereditary cancer-predisposing syndrome. Last evaluated: 2020-09-29. Review status: criteria provided, single submitter. Criteria: Sema4 Curation Guidelines. Collection method: curation. Allele origin: germline. Not counted in ClinVar's aggregate classification.

Mendelics
Classification: Likely benign for Lynch syndrome 5. Last evaluated: 2019-05-28. Review status: criteria provided, single submitter. Criteria: Mendelics Assertion Criteria 2017. Collection method: clinical testing. Allele origin: unknown. Not counted in ClinVar's aggregate classification.

Genetic Services Laboratory, University of Chicago
Classification: Benign. Last evaluated: 2018-09-10. Review status: criteria provided, single submitter. Criteria: ACMG Guidelines, 2015. Collection method: clinical testing. Allele origin: germline. Affected: no. Not counted in ClinVar's aggregate classification.

Eurofins Ntd Llc (ga)
Classification: Likely benign. Last evaluated: 2018-02-23. Review status: criteria provided, single submitter. Criteria: EGL ClinVar v180209 classification definitions. Collection method: clinical testing. Allele origin: germline. Observed: 4 variant alleles, 3 heterozygotes, 1 homozygote. Not counted in ClinVar's aggregate classification.

Genome Diagnostics Laboratory, University Medical Center Utrecht
Classification: Benign for Lynch syndrome 5. Last evaluated: 2017-07-28. Review status: criteria provided, single submitter. Criteria: ACGS Guidelines, 2013. Collection method: clinical testing. Allele origin: germline. Affected: yes. Study: VKGL Data-share Consensus. Not counted in ClinVar's aggregate classification.

Illumina Laboratory Services, Illumina
Classification: Uncertain significance for Lynch syndrome 5. Last evaluated: 2017-04-27. Review status: criteria provided, single submitter. Criteria: ICSL Variant Classification Criteria 13 December 2019. Collection method: clinical testing. Allele origin: germline. Not counted in ClinVar's aggregate classification.

Women's Health and Genetics/Laboratory Corporation of America, LabCorp
Classification: Benign. Last evaluated: 2016-04-25. Review status: criteria provided, single submitter. Criteria: LabCorp Variant Classification Summary - May 2015. Collection method: clinical testing. Allele origin: germline. Not counted in ClinVar's aggregate classification.
Comment: Variant summary: Variant affects a non-conserved nucleotide and results in a replacement of a medium size and hydrophobic Valine (V) with a small size and hydrophobic Alanine (A). 2/3 in silico tools predict the variant to be neutral (SNPs&GO and mutation taster were not considered due to low reliability index). The variant was observed in the large and broad cohorts of the ExAC project across diverse ethnicities at an allele frequency of 0.52% which exceeds ~ 36 times the maximal expected allele frequency of a disease causing MSH6 allele (0.0142%). Additionally, 4 homozygous occurrences are also reported in ExAC indicating neutrality. The variant was reported in several patients, however without strong evidence for pathogenicity. Independent functional studies concluded the variant to slightly impair MSH6 MMR functions however a large case control study failed to show association between CRC and the variant (Lipkin_NG_2004). Several clinical diagnostic centers and databases classify variant as Benign (without evidence to independently evaluate). Moreover, UMD lists two co-occurrences with the following pathogenic MSH6 variants: c.3268_3274del (p.Glu1090LysfsX23) and c.3514dup (p.Arg1172LysfsX5). Considering all evidence, the variant was classified as Benign.

Genome Diagnostics Laboratory, Amsterdam University Medical Center
Classification: Likely benign for Lynch syndrome 5. Last evaluated: 2015-09-22. Review status: criteria provided, single submitter. Criteria: ACGS Guidelines, 2013. Collection method: clinical testing. Allele origin: germline. Affected: yes. Study: VKGL Data-share Consensus. Not counted in ClinVar's aggregate classification.